The following is an entry in ClinVar:

ClinVar aggregate classification (germline): Uncertain significance (1 of 4 stars; one submission).

Submission:

GeneDx
Classification: Uncertain significance. Last evaluated: 2024-01-26. Review status: criteria provided, single submitter. Criteria: GeneDx Variant Classification Process June 2021. Collection method: clinical testing. Allele origin: germline. Affected: yes.
Comment: Not observed at significant frequency in large population cohorts (gnomAD); In silico analysis supports that this missense variant has a deleterious effect on protein structure/function; Has not been previously published as pathogenic or benign to our knowledge

NM_001148.6(ANK2):c.3031C>A (p.Arg1011Ser)

Gene: ANK2 (ankyrin 2; plus strand). Cytogenetic location: 4q26.
Variant type: single nucleotide variant.
Coding change: c.3031C>A on transcript NM_001148.6 (MANE Select); coding-DNA position 3031, C replaced by A.
Protein change: p.Arg1011Ser; replaces arginine 1011 with serine.
Molecular consequence: missense variant.
Genome position (GRCh38, 1-based): chr4:113,330,376, C>A. VCF-style: chr4-113330376-C-A. GRCh37 (hg19) VCF-style: chr4-114251532-C-A.
Other names: c.3004C>A, p.Arg1002Ser (NM_001127493.3); c.3043C>A, p.Arg1015Ser (NM_001354225.2); c.3031C>A, p.Arg1011Ser (NM_001354228.2, NM_001354258.2, NM_020977.5); c.3109C>A, p.Arg1037Ser (NM_001354230.2, NM_001354237.2); c.3073C>A, p.Arg1025Ser (NM_001354231.2, NM_001354242.2); c.3067C>A, p.Arg1023Ser (NM_001354232.2); c.3028C>A, p.Arg1010Ser (NM_001354235.2, NM_001354236.2, NM_001354246.2 and 1 more transcripts); c.3001C>A, p.Arg1001Ser (NM_001354239.2, NM_001354252.2, NM_001354272.2); and 23 more; short protein forms R1001S, R1002S, R1006S, R1010S, R1011S, R1015S, R1023S, R1025S.
Identifiers: ClinVar variation 1315610 (VCV001315610.3), dbSNP rs1226180418, ClinGen allele CA357935163.